The following is an entry in ClinVar:

ClinVar aggregate classification (germline): Pathogenic/Likely pathogenic. Review status: criteria provided, multiple submitters, no conflicts (2 of 4 stars). 19 submissions from 19 submitters: Pathogenic (11); Likely pathogenic (7). 1 of the submissions does not count toward it. Last evaluated 2026-07-28.

Conditions:
Renal tubulopathies.
CYP24A1-related disorders.
CYP24A1-related disorder. Also called: CYP24A1-related condition.
Hypercalcemia, infantile, 1 (HCINF1). Identifiers: Orphanet 300547, MedGen CN031131, MONDO:0020739, OMIM 143880.

Allele frequency attached by ClinVar (database versions not stated): ESP Exome Variant Server 0.00131; gnomAD exomes 0.00188 and 0.00075; 1000 Genomes Project 0.00020; 1000 Genomes Project 30x 0.00031; ExAC 0.00071; gnomAD 0.00080 and 0.00084; TOPMed 0.00086.

Submissions (19):

PreventionGenetics, part of Exact Sciences
Classification: Pathogenic for CYP24A1-related condition. Last evaluated: 2026-07-28. Review status: criteria provided, single submitter. Criteria: ACMG Guidelines, 2015. Collection method: clinical testing. Allele origin: germline.
Comment: The CYP24A1 c.1226T>C variant is predicted to result in the amino acid substitution p.Leu409Ser. This variant has been reported as causative in the homozygous and compound heterozygous states in many individuals with autosomal recessive hypercalcemia (Schlingmann et al. 2011. PubMed ID: 21675912; Mugg et al. 2015. PubMed ID: 25375986; Gahl et al. 2016. PubMed ID: 26846157; Hanna et al. 2021. PubMed ID: 34307984). Functional studies indicate this variant has only ~32% of wild-type activity (Jacobs et al. 2013. PubMed ID: 23423976; Mugg et al. 2015. PubMed ID: 25375986). This variant is reported in 0.13% of alleles in individuals of European (non-Finnish) descent in gnomAD. This variant is interpreted as pathogenic.

Genetics Laboratory, Great Ormond Street Hospital NHS Foundation Trust, North Thames Genomic Laboratory Hub
Classification: Pathogenic for Renal tubulopathies. Last evaluated: 2026-07-09. Review status: criteria provided, single submitter. Criteria: ACGS Best Practice Guidelines for Variant Classification in Rare Disease 2024 v1.2. Collection method: clinical testing. Allele origin: germline. Affected: yes.
Comment: PP3_supporting, PS3_moderate, PP1_supporting, PM3_very-strong

Dasa
Classification: Pathogenic. Last evaluated: 2026-04-09. Review status: criteria provided, single submitter. Criteria: DASA Assertion Criteria. Collection method: clinical testing. Allele origin: germline.
Comment: NM_000782.5(CYP24A1):c.1226T>C (p.Leu409Ser) is a missense variant that results in the substitution of leucine with serine. Functional evidence supports a deleterious effect on the gene or gene product (PMID: 21675912; PMID: 23470222; PMID: 26214117; PMID: 26846157; PMID: 23423976). This variant has been recurrently observed in individuals with related phenotype (PMID: 21675912; PMID: 23470222; PMID: 26214117; PMID: 26846157; PMID: 23423976). Segregation evidence has been reported in affected families. The variant is present at low frequency in population datasets. Based on the available data, this variant is classified as pathogenic.

Labcorp Genetics (formerly Invitae), Labcorp
Classification: Pathogenic. Last evaluated: 2026-01-12. Review status: criteria provided, single submitter. Criteria: Invitae Variant Classification Sherloc (09022015). Collection method: clinical testing. Allele origin: germline.
Comment: This sequence change replaces leucine, which is neutral and non-polar, with serine, which is neutral and polar, at codon 409 of the CYP24A1 protein (p.Leu409Ser). This variant is present in population databases (rs6068812, gnomAD 0.1%), and has an allele count higher than expected for a pathogenic variant. This missense change has been observed in individual(s) with hypercalcemia and/or nephrolithiasis (PMID: 21675912, 23470222, 26214117, 26846157). It has also been observed to segregate with disease in related individuals. ClinVar contains an entry for this variant (Variation ID: 29680). Invitae Evidence Modeling of protein sequence and biophysical properties (such as structural, functional, and spatial information, amino acid conservation, physicochemical variation, residue mobility, and thermodynamic stability) indicates that this missense variant is expected to disrupt CYP24A1 protein function with a positive predictive value of 95%. Experimental studies have shown that this missense change affects CYP24A1 function (PMID: 21675912, 23423976). For these reasons, this variant has been classified as Pathogenic.

Rare Kidney Stone Consortium and the Mayo Clinic Hyperoxaluria Center, Mayo Clinic
Classification: Pathogenic for Hypercalcemia, infantile, 1. Last evaluated: 2025-10-03. Review status: criteria provided, single submitter. Criteria: ACMG Guidelines, 2015. Collection method: research. Allele origin: germline. Affected: yes. Observed: 3 variant alleles.

First Genomix Gene Laboratory, Genetic Diagnostics Department
Classification: Pathogenic for Hypercalcemia, infantile, 1. Last evaluated: 2025-09-26. Review status: criteria provided, single submitter. Criteria: ACMG Guidelines, 2015. Collection method: clinical testing. Allele origin: germline. Inheritance: Autosomal recessive inheritance. Affected: no. Observed: 1 variant allele.

Revvity Omics, Revvity
Classification: Pathogenic for Hypercalcemia, infantile, 1. Last evaluated: 2025-06-10. Review status: criteria provided, single submitter. Criteria: ACMG Guidelines, 2015. Collection method: clinical testing. Allele origin: germline.

Mayo Clinic Laboratories, Mayo Clinic
Classification: Pathogenic. Last evaluated: 2025-05-16. Review status: criteria provided, single submitter. Criteria: ACMG Guidelines, 2015. Collection method: clinical testing. Allele origin: germline. Observed: 2 variant alleles.
Comment: PP1_moderate, PM3_very_strong, PS3_moderate

CeGaT Center for Human Genetics Tuebingen
Classification: Pathogenic. Last evaluated: 2025-03-01. Review status: criteria provided, single submitter. Criteria: CeGaT Center For Human Genetics Tuebingen Variant Classification Criteria Version 2. Collection method: clinical testing. Allele origin: germline. Affected: yes. Observed: 5 variant alleles.
Comment: CYP24A1: PM3:Very Strong, PM2:Supporting, PS3:Supporting

Blueprint Genetics
Classification: Pathogenic for CYP24A1-related disorders. Last evaluated: 2024-11-19. Review status: criteria provided, single submitter. Criteria: ACMG Guidelines, 2015. Collection method: clinical testing. Allele origin: de novo. Affected: yes. Observed: 5 variant alleles.

Illumina Laboratory Services, Illumina
Classification: Likely pathogenic for Hypercalcemia, infantile, 1. Last evaluated: 2024-09-05. Review status: criteria provided, single submitter. Criteria: ICSLVariantClassificationCriteria RUGD 01 April 2020. Collection method: clinical testing. Allele origin: unknown.

Fulgent Genetics
Classification: Likely pathogenic for Hypercalcemia, infantile, 1. Last evaluated: 2024-06-25. Review status: criteria provided, single submitter. Criteria: ACMG Guidelines, 2015. Collection method: clinical testing. Allele origin: germline.

Department of Pathology and Laboratory Medicine, Sinai Health System
Classification: Likely pathogenic for Hypercalcemia, infantile, 1. Last evaluated: 2023-09-28. Review status: criteria provided, single submitter. Criteria: ACMG Guidelines, 2015. Collection method: research. Allele origin: germline.

Duke University Health System Sequencing Clinic, Duke University Health System
Classification: Likely pathogenic for Hypercalcemia, infantile, 1. Last evaluated: 2023-04-20. Review status: criteria provided, single submitter. Criteria: ACMG Guidelines, 2015. Collection method: research. Allele origin: maternal. Affected: yes.

Women's Health and Genetics/Laboratory Corporation of America, LabCorp
Classification: Pathogenic for Hypercalcemia, infantile, 1. Last evaluated: 2022-11-25. Review status: criteria provided, single submitter. Criteria: LabCorp Variant Classification Summary - May 2015. Collection method: clinical testing. Allele origin: germline.
Comment: Variant summary: CYP24A1 c.1226T>C (p.Leu409Ser) results in a non-conservative amino acid change in the encoded protein sequence. Five of five in-silico tools predict a damaging effect of the variant on protein function. The variant allele was found at a frequency of 0.00075 in 251066 control chromosomes. This frequency does not allow conclusions about variant significance. c.1226T>C has been reported in the literature in multiple individuals affected with features of Hypercalcemia, Infantile type 1, Hypercalciuric Nephrolithiasis and Nephrocalcinosis, including one case of apparent homozygosity due to UPD(20)mat leading to infantile hypercalcemia (example, Schlingmann_2011, Dinour_2013, Mugg_2015, Hureaux_2021). These data indicate that the variant is very likely to be associated with disease. At least two publications report experimental evidence evaluating an impact on protein function (example, Schlingmann_2011 and Mugg_2015). The most pronounced variant effect results in <10-30% of normal CYP24A1 enzyme activity. Six clinical diagnostic laboratories have submitted clinical-significance assessments for this variant to ClinVar after 2014 without evidence for independent evaluation (Pathogenic/Likely pathogenic, n=5; VUS, n=1). Based on the evidence outlined above, the variant was classified as pathogenic.

Genetics Laboratory, Department of Biology, Semnan University
Classification: Likely pathogenic for Hypercalcemia, infantile, 1. Last evaluated: 2021-04-26. Review status: criteria provided, single submitter. Criteria: ACMG Guidelines, 2015. Collection method: research. Allele origin: germline. Inheritance: Autosomal recessive inheritance. Affected: no. Observed: 1 variant allele, 1 heterozygote.
Comment: The identified variant leads to the substitution of leucin 409 with Serine (L409S) in the CYP24A1 protein. Hence, this substitution could alter the amino acid sequence and could leads to a decreased function of mutated protein.

Knight Diagnostic Laboratories, Oregon Health and Sciences University
Classification: Likely pathogenic for Hypercalcemia, infantile, 1. Last evaluated: 2019-07-08. Review status: criteria provided, single submitter. Criteria: ACMG Guidelines, 2015. Collection method: clinical testing. Allele origin: germline. Observed: 1 variant allele.

Molecular Diagnostics Lab, Nemours Children's Health, Delaware
Classification: Likely pathogenic. Last evaluated: 2016-10-14. Review status: criteria provided, single submitter. Criteria: ACMG Guidelines, 2015. Collection method: clinical testing. Allele origin: unknown. Affected: yes. Observed: 1 variant allele.

OMIM
Classification: Pathogenic for HYPERCALCEMIA, INFANTILE, 1. Last evaluated: 2011-11-03. Review status: no assertion criteria provided. Collection method: literature only. Allele origin: germline. Not counted in ClinVar's aggregate classification.

Literature cited by the submitters: PubMed 21675912 (cited by 6 submitters); PubMed 23470222 (cited by 4 submitters); PubMed 26214117 (cited by Dasa and Labcorp Genetics (formerly Invitae), Labcorp); PubMed 26846157 (cited by 3 submitters); PubMed 23423976 (cited by 3 submitters); PubMed 40794449 (cited by Rare Kidney Stone Consortium and the Mayo Clinic Hyperoxaluria Center, Mayo Clinic); PubMed 22047571 (cited by 3 submitters); PubMed 25375986 (cited by Mayo Clinic Laboratories, Mayo Clinic and Women's Health and Genetics/Laboratory Corporation of America, LabCorp); PubMed 27378451 (cited by Mayo Clinic Laboratories, Mayo Clinic); PubMed 30900415 (cited by Mayo Clinic Laboratories, Mayo Clinic); PubMed 33099630 (cited by Mayo Clinic Laboratories, Mayo Clinic); PubMed 33952337 (cited by Mayo Clinic Laboratories, Mayo Clinic and Women's Health and Genetics/Laboratory Corporation of America, LabCorp); PubMed 34307984 (cited by Mayo Clinic Laboratories, Mayo Clinic); PubMed 34337279 (cited by Mayo Clinic Laboratories, Mayo Clinic); PubMed 35745247 (cited by Mayo Clinic Laboratories, Mayo Clinic); DOI 10.1159/000500922 (cited by Genetics Laboratory, Department of Biology, Semnan University).

NM_000782.5(CYP24A1):c.1226T>C (p.Leu409Ser)

Gene: CYP24A1 (cytochrome P450 family 24 subfamily A member 1; minus strand). Cytogenetic location: 20q13.2.
Variant type: single nucleotide variant.
Coding change: c.1226T>C on transcript NM_000782.5 (MANE Select); coding-DNA position 1226, T replaced by C.
Protein change: p.Leu409Ser; replaces leucine 409 with serine.
Molecular consequence: missense variant.
Genome position (GRCh38, 1-based): chr20:54,158,096, A>G on the plus strand (T>C on the coding strand, the complement: CYP24A1 is on the minus strand). VCF-style: chr20-54158096-A-G. GRCh37 (hg19) VCF-style: chr20-52774635-A-G.
Other names: CYP24A1, LEU409SER (rs6068812); c.1226T>C, p.Leu409Ser (NM_001128915.2); short protein forms L409S.
Identifiers: ClinVar variation 29680 (VCV000029680.79), dbSNP rs6068812, ClinGen allele CA130776.
Genomic context (GRCh38, chr20:54,158,096, plus strand): 5'-GTGTATCTTCCAAGGTTTTGTAAGGTATAGAATATACAAATTCTACTTACTCCTTTGGGT[A>G]AAGCATATTCACCCAGAACTGTTGCCTTGTCAAGAGTCCGAGTTGTAAATGGTACACTCG-3'
Protein context (NP_000773.2, residues 399-419): DKATVLGEYA[Leu409Ser]PKGTVLMLNT